The following is an entry in ClinVar:

ClinVar aggregate classification (germline): Uncertain significance (1 of 4 stars; one submission).

Conditions:
Immunodeficiency 51 (IMD51). Also called: CANDIDIASIS, FAMILIAL, 5. Identifiers: Orphanet 1334, MedGen C4310803, MONDO:0013500, OMIM 613953.

Allele frequency attached by ClinVar (database versions not stated): gnomAD exomes below 0.00001.
gnomAD v4.1: 1 of 1,599,474 alleles (0.000063%); no homozygotes.

Submission:

Labcorp Genetics (formerly Invitae), Labcorp
Classification: Uncertain significance for Immunodeficiency 51. Last evaluated: 2020-07-13. Review status: criteria provided, single submitter. Criteria: Invitae Variant Classification Sherloc (09022015). Collection method: clinical testing. Allele origin: germline.
Comment: This variant is not present in population databases (ExAC no frequency). This sequence change replaces glycine with glutamic acid at codon 766 of the IL17RA protein (p.Gly766Glu). The glycine residue is weakly conserved and there is a moderate physicochemical difference between glycine and glutamic acid. In summary, the available evidence is currently insufficient to determine the role of this variant in disease. Therefore, it has been classified as a Variant of Uncertain Significance. Algorithms developed to predict the effect of missense changes on protein structure and function output the following: SIFT: "Tolerated"; PolyPhen-2: "Benign"; Align-GVGD: "Class C0". The glutamic acid amino acid residue is found in multiple mammalian species, suggesting that this missense change does not adversely affect protein function. These predictions have not been confirmed by published functional studies and their clinical significance is uncertain. This variant has not been reported in the literature in individuals with IL17RA-related conditions.

NM_014339.7(IL17RA):c.2297G>A (p.Gly766Glu)

Gene: IL17RA (interleukin 17 receptor A; plus strand). Cytogenetic location: 22q11.1.
Variant type: single nucleotide variant.
Coding change: c.2297G>A on transcript NM_014339.7 (MANE Select); coding-DNA position 2297, G replaced by A.
Protein change: p.Gly766Glu; replaces glycine 766 with glutamic acid.
Molecular consequence: missense variant.
Genome position (GRCh38, 1-based): chr22:17,109,516, G>A. VCF-style: chr22-17109516-G-A. GRCh37 (hg19) VCF-style: chr22-17590406-G-A.
Other names: c.2195G>A, p.Gly732Glu (NM_001289905.2); short protein forms G732E, G766E.
Identifiers: ClinVar variation 1024461 (VCV001024461.8), dbSNP rs1450910603, ClinGen allele CA410221701.